The following is an entry in ClinVar:

ClinVar aggregate classification (germline): Uncertain significance (1 of 4 stars; one submission).

Allele frequency attached by ClinVar (database versions not stated): TOPMed below 0.00001.

Submission:

Labcorp Genetics (formerly Invitae), Labcorp
Classification: Uncertain significance. Last evaluated: 2022-10-17. Review status: criteria provided, single submitter. Criteria: Invitae Variant Classification Sherloc (09022015). Collection method: clinical testing. Allele origin: germline.
Comment: In summary, the available evidence is currently insufficient to determine the role of this variant in disease. Therefore, it has been classified as a Variant of Uncertain Significance. Advanced modeling of protein sequence and biophysical properties (such as structural, functional, and spatial information, amino acid conservation, physicochemical variation, residue mobility, and thermodynamic stability) performed at Invitae indicates that this missense variant is not expected to disrupt BMPER protein function. This variant has not been reported in the literature in individuals affected with BMPER-related conditions. This variant is not present in population databases (gnomAD no frequency). This sequence change replaces serine, which is neutral and polar, with tyrosine, which is neutral and polar, at codon 474 of the BMPER protein (p.Ser474Tyr).

NM_001365308.1(BMPER):c.1421C>A (p.Ser474Tyr)

Gene: BMPER (BMP binding endothelial regulator; plus strand). Cytogenetic location: 7p14.3.
Variant type: single nucleotide variant.
Coding change: c.1421C>A on transcript NM_001365308.1 (MANE Select); coding-DNA position 1421, C replaced by A.
Protein change: p.Ser474Tyr; replaces serine 474 with tyrosine.
Molecular consequence: missense variant.
Genome position (GRCh38, 1-based): chr7:34,085,768, C>A. VCF-style: chr7-34085768-C-A. GRCh37 (hg19) VCF-style: chr7-34125380-C-A.
Other names: c.1091C>A, p.Ser364Tyr (NM_001410872.1); c.1421C>A, p.Ser474Tyr (NM_133468.5); short protein forms S364Y, S474Y.
Identifiers: ClinVar variation 2176156 (VCV002176156.4), dbSNP rs1789182754, ClinGen allele CA367182936.